The following is an entry in ClinVar:

ClinVar aggregate classification (germline): Uncertain significance (1 of 4 stars; one submission).

Allele frequency attached by ClinVar (database versions not stated): gnomAD 0.00001.
gnomAD v4.1: 8 of 1,613,944 alleles (0.0005%); highest among the groups gnomAD compares: Non-Finnish European, 0.00068%; no homozygotes.

Submission:

Labcorp Genetics (formerly Invitae), Labcorp
Classification: Uncertain significance. Last evaluated: 2022-05-06. Review status: criteria provided, single submitter. Criteria: Invitae Variant Classification Sherloc (09022015). Collection method: clinical testing. Allele origin: germline.
Comment: This variant is present in population databases (no rsID available, gnomAD 0.002%). Algorithms developed to predict the effect of missense changes on protein structure and function are either unavailable or do not agree on the potential impact of this missense change (SIFT: "Tolerated"; PolyPhen-2: "Possibly Damaging"; Align-GVGD: "Class C0"). This variant has not been reported in the literature in individuals affected with SFRP4-related conditions. This sequence change replaces aspartic acid, which is acidic and polar, with histidine, which is basic and polar, at codon 167 of the SFRP4 protein (p.Asp167His). In summary, the available evidence is currently insufficient to determine the role of this variant in disease. Therefore, it has been classified as a Variant of Uncertain Significance.

NM_003014.4(SFRP4):c.499G>C (p.Asp167His)

Gene: SFRP4 (secreted frizzled related protein 4; minus strand). Cytogenetic location: 7p14.1.
Variant type: single nucleotide variant.
Coding change: c.499G>C on transcript NM_003014.4 (MANE Select); coding-DNA position 499, G replaced by C.
Protein change: p.Asp167His; replaces aspartic acid 167 with histidine.
Molecular consequence: missense variant.
Genome position (GRCh38, 1-based): chr7:37,914,400, C>G on the plus strand (G>C on the coding strand, the complement: SFRP4 is on the minus strand). VCF-style: chr7-37914400-C-G. GRCh37 (hg19) VCF-style: chr7-37954002-C-G.
Other names: short protein forms D167H.
Identifiers: ClinVar variation 2134539 (VCV002134539.4), dbSNP rs1325924983, ClinGen allele CA367219940.